The following is an entry in ClinVar:

ClinVar aggregate classification (germline): Uncertain significance (1 of 4 stars; one submission).

gnomAD v4.1: 1 of 1,211,777 alleles (0.000083%); highest among the groups gnomAD compares: Non-Finnish European, 0.00011%; no homozygotes.

Submission:

Labcorp Genetics (formerly Invitae), Labcorp
Classification: Uncertain significance. Last evaluated: 2024-06-21. Review status: criteria provided, single submitter. Criteria: Invitae Variant Classification Sherloc (09022015). Collection method: clinical testing. Allele origin: germline.
Comment: This sequence change replaces glycine, which is neutral and non-polar, with arginine, which is basic and polar, at codon 680 of the AMER1 protein (p.Gly680Arg). This variant is not present in population databases (gnomAD no frequency). This variant has not been reported in the literature in individuals affected with AMER1-related conditions. An algorithm developed to predict the effect of missense changes on protein structure and function (PolyPhen-2) suggests that this variant is likely to be tolerated. In summary, the available evidence is currently insufficient to determine the role of this variant in disease. Therefore, it has been classified as a Variant of Uncertain Significance.

NM_152424.4(AMER1):c.2038G>C (p.Gly680Arg)

Gene: AMER1 (APC membrane recruitment protein 1; minus strand). Cytogenetic location: Xq11.2.
Variant type: single nucleotide variant.
Coding change: c.2038G>C on transcript NM_152424.4 (MANE Select); coding-DNA position 2038, G replaced by C.
Protein change: p.Gly680Arg; replaces glycine 680 with arginine.
Molecular consequence: missense variant.
Genome position (GRCh38, 1-based): chrX:64,191,249, C>G on the plus strand (G>C on the coding strand, the complement: AMER1 is on the minus strand). VCF-style: chrX-64191249-C-G. GRCh37 (hg19) VCF-style: chrX-63411129-C-G.
Other names: short protein forms G680R.
Identifiers: ClinVar variation 3684830 (VCV003684830.2).